The following is an entry in ClinVar:

NM_001042492.3(NF1):c.1386G>A (p.Met462Ile)

Gene: NF1 (neurofibromin 1; plus strand). Cytogenetic location: 17q11.2.
Variant type: single nucleotide variant.
Coding change: c.1386G>A on transcript NM_001042492.3 (MANE Select); coding-DNA position 1386, G replaced by A.
Protein change: p.Met462Ile; replaces methionine 462 with isoleucine.
Molecular consequence: missense variant.
Genome position (GRCh38, 1-based): chr17:31,206,365, G>A. VCF-style: chr17-31206365-G-A. GRCh37 (hg19) VCF-style: chr17-29533383-G-A.
Other names: c.1386G>A, p.Met462Ile (NM_001128147.3, NM_000267.4); short protein forms M462I.
Identifiers: ClinVar variation 1771412 (VCV001771412.2), dbSNP rs768249199, ClinGen allele CA398999890.

ClinVar aggregate classification (germline): Uncertain significance (1 of 4 stars; one submission).

Conditions:
Cardiovascular phenotype. Identifiers: MedGen CN230736.
Hereditary cancer-predisposing syndrome. Also called: Hereditary Cancer Syndrome; Hereditary neoplastic syndrome; Neoplastic Syndromes, Hereditary; Tumor predisposition. Identifiers: Orphanet 140162, MedGen C0027672, MeSH D009386, MONDO:0015356.

Submission:

Ambry Genetics
Classification: Uncertain significance for Cardiovascular phenotype; Hereditary cancer-predisposing syndrome. Last evaluated: 2024-03-13. Review status: criteria provided, single submitter. Criteria: Ambry Variant Classification Scheme 2023. Collection method: clinical testing. Allele origin: germline.
Comment: The p.M462I variant (also known as c.1386G>A), located in coding exon 12 of the NF1 gene, results from a G to A substitution at nucleotide position 1386. The methionine at codon 462 is replaced by isoleucine, an amino acid with highly similar properties. This amino acid position is well conserved in available vertebrate species. In addition, this alteration is predicted to be tolerated by in silico analysis. Since supporting evidence is limited at this time, the clinical significance of this alteration remains unclear.